The following is an entry in ClinVar:

NM_000152.5(GAA):c.2371G>T (p.Ala791Ser)

Gene: GAA (alpha glucosidase; plus strand). Cytogenetic location: 17q25.3.
Variant type: single nucleotide variant.
Coding change: c.2371G>T on transcript NM_000152.5 (MANE Select); coding-DNA position 2371, G replaced by T.
Protein change: p.Ala791Ser; replaces alanine 791 with serine.
Molecular consequence: missense variant.
Genome position (GRCh38, 1-based): chr17:80,117,639, G>T. VCF-style: chr17-80117639-G-T. GRCh37 (hg19) VCF-style: chr17-78091438-G-T.
Other names: c.2371G>T, p.Ala791Ser (NM_001079803.3, NM_001079804.3, NM_001406741.1 and 1 more transcripts); short protein forms A791S.
Identifiers: ClinVar variation 4800919 (VCV004800919.1).

ClinVar aggregate classification (germline): Uncertain significance (1 of 4 stars; one submission).

Conditions:
Glycogen storage disease, type II (IOPD). Also called: CARDIOMEGALIA GLYCOGENICA DIFFUSA; GLYCOGENOSIS, GENERALIZED, CARDIAC FORM; GSD II; POMPE DISEASE, INFANTILE-ONSET; GLYCOGEN STORAGE DISEASE II, INFANTILE-ONSET; ACID ALPHA-GLUCOSIDASE DEFICIENCY, INFANTILE-ONSET. Identifiers: Orphanet 365, MedGen C0017921, MONDO:0009290, OMIM 232300.

gnomAD v4.1: 1 of 1,612,856 alleles (0.000062%); highest among the groups gnomAD compares: Non-Finnish European, 0.000085%; no homozygotes.

Submission:

Labcorp Genetics (formerly Invitae), Labcorp
Classification: Uncertain significance for Glycogen storage disease, type II. Last evaluated: 2026-01-18. Review status: criteria provided, single submitter. Criteria: Invitae Variant Classification Sherloc (09022015). Collection method: clinical testing. Allele origin: germline.
Comment: This sequence change replaces alanine, which is neutral and non-polar, with serine, which is neutral and polar, at codon 791 of the GAA protein (p.Ala791Ser). This variant is not present in population databases (gnomAD no frequency). This variant has not been reported in the literature in individuals affected with GAA-related conditions. Invitae Evidence Modeling of protein sequence and biophysical properties (such as structural, functional, and spatial information, amino acid conservation, physicochemical variation, residue mobility, and thermodynamic stability) indicates that this missense variant is not expected to disrupt GAA protein function with a negative predictive value of 95%. In summary, the available evidence is currently insufficient to determine the role of this variant in disease. Therefore, it has been classified as a Variant of Uncertain Significance.